The following is an entry in ClinVar:

NM_001242896.3(DEPDC5):c.1067G>A (p.Arg356Gln)

Gene: DEPDC5 (DEP domain containing 5, GATOR1 subcomplex subunit; plus strand). Cytogenetic location: 22q12.3.
Variant type: single nucleotide variant.
Coding change: c.1067G>A on transcript NM_001242896.3 (MANE Select); coding-DNA position 1067, G replaced by A.
Protein change: p.Arg356Gln; replaces arginine 356 with glutamine.
Molecular consequence: missense variant. On other transcripts: non-coding transcript variant (5).
Genome position (GRCh38, 1-based): chr22:31,802,824, G>A. VCF-style: chr22-31802824-G-A. GRCh37 (hg19) VCF-style: chr22-32198810-G-A.
Other names: c.1067G>A, p.Arg356Gln (NM_001007188.4, NM_001136029.4, NM_001242897.2 and 7 more transcripts); c.983G>A, p.Arg328Gln (NM_001369901.1, NM_001369902.1); short protein forms R328Q, R356Q.
Identifiers: ClinVar variation 1374434 (VCV001374434.6), dbSNP rs764876578, ClinGen allele CA10196208.

ClinVar aggregate classification (germline): Uncertain significance (1 of 4 stars; one submission).

Conditions:
Familial focal epilepsy with variable foci (FPEVF). Identifiers: Orphanet 98820, MedGen C1858477, MONDO:0020310.

Allele frequency attached by ClinVar (database versions not stated): ExAC 0.00001; gnomAD exomes 0.00002 and 0.00003; TOPMed 0.00002; gnomAD 0.00003.
gnomAD v4.1: 40 of 1,602,758 alleles (0.0025%); highest among the groups gnomAD compares: African/African-American, 0.0054%; no homozygotes.

Submission:

Labcorp Genetics (formerly Invitae), Labcorp
Classification: Uncertain significance for Familial focal epilepsy with variable foci. Last evaluated: 2025-09-17. Review status: criteria provided, single submitter. Criteria: Invitae Variant Classification Sherloc (09022015). Collection method: clinical testing. Allele origin: germline.
Comment: This sequence change replaces arginine, which is basic and polar, with glutamine, which is neutral and polar, at codon 356 of the DEPDC5 protein (p.Arg356Gln). The frequency data for this variant in the population databases is considered unreliable, as metrics indicate poor data quality at this position in the gnomAD database. This variant has not been reported in the literature in individuals affected with DEPDC5-related conditions. ClinVar contains an entry for this variant (Variation ID: 1374434). Experimental studies and prediction algorithms are not available or were not evaluated, and the functional significance of this variant is currently unknown. In summary, the available evidence is currently insufficient to determine the role of this variant in disease. Therefore, it has been classified as a Variant of Uncertain Significance.